The following is an entry in ClinVar:

ClinVar aggregate classification (germline): Uncertain significance. Review status: criteria provided, multiple submitters, no conflicts (2 of 4 stars). 3 submissions from 3 submitters: Uncertain significance (2). 1 of the submissions does not count toward it. Last evaluated 2026-03-09.

Conditions:
PEX1-related disorder. Also called: PEX1-related condition.
Zellweger spectrum disorders (ZS). Also called: Zellweger Spectrum Disorder; Zellweger Spectrum; Zellweger syndrome; Zellweger Spectrum Disorder (ZSD). Identifiers: Orphanet 912, MedGen C0043459, MONDO:0019609.

Allele frequency attached by ClinVar (database versions not stated): gnomAD exomes below 0.00001 and 0.00001; gnomAD 0.00001; TOPMed 0.00001; ExAC 0.00002; ESP Exome Variant Server 0.00015.
gnomAD v4.1: 4 of 1,613,606 alleles (0.00025%); highest among the groups gnomAD compares: South Asian, 0.0011%; no homozygotes.

Submissions (3):

PreventionGenetics, part of Exact Sciences
Classification: Uncertain significance for PEX1-related condition. Last evaluated: 2026-03-09. Review status: criteria provided, single submitter. Criteria: ACMG Guidelines, 2015. Collection method: clinical testing. Allele origin: germline.
Comment: The PEX1 c.2554C>T variant is predicted to result in the amino acid substitution p.Leu852Phe. To our knowledge, this variant has not been reported in the literature. This variant is reported in 0.0018% of alleles in individuals of European (Non-Finnish) descent in gnomAD. At this time, the clinical significance of this variant is uncertain due to the absence of conclusive functional and genetic evidence.

Labcorp Genetics (formerly Invitae), Labcorp
Classification: Uncertain significance for Zellweger spectrum disorders. Last evaluated: 2021-09-08. Review status: criteria provided, single submitter. Criteria: Invitae Variant Classification Sherloc (09022015). Collection method: clinical testing. Allele origin: germline.
Comment: This sequence change replaces leucine with phenylalanine at codon 852 of the PEX1 protein (p.Leu852Phe). The leucine residue is highly conserved and there is a small physicochemical difference between leucine and phenylalanine. This variant is present in population databases (rs202090176, ExAC 0.003%). This variant has not been reported in the literature in individuals affected with PEX1-related conditions. Algorithms developed to predict the effect of missense changes on protein structure and function are either unavailable or do not agree on the potential impact of this missense change (SIFT: "Deleterious"; PolyPhen-2: "Possibly Damaging"; Align-GVGD: "Class C15"). In summary, the available evidence is currently insufficient to determine the role of this variant in disease. Therefore, it has been classified as a Variant of Uncertain Significance.

Natera, Inc.
Classification: Uncertain significance for Zellweger syndrome. Last evaluated: 2018-07-21. Review status: no assertion criteria provided. Collection method: clinical testing. Allele origin: germline. Not counted in ClinVar's aggregate classification.

NM_000466.3(PEX1):c.2554C>T (p.Leu852Phe)

Gene: PEX1 (peroxisomal biogenesis factor 1; minus strand). Cytogenetic location: 7q21.2.
Variant type: single nucleotide variant.
Coding change: c.2554C>T on transcript NM_000466.3 (MANE Select); coding-DNA position 2554, C replaced by T.
Protein change: p.Leu852Phe; replaces leucine 852 with phenylalanine.
Molecular consequence: missense variant.
Genome position (GRCh38, 1-based): chr7:92,501,536, G>A on the plus strand (C>T on the coding strand, the complement: PEX1 is on the minus strand). VCF-style: chr7-92501536-G-A. GRCh37 (hg19) VCF-style: chr7-92130850-G-A.
Other names: c.2383C>T, p.Leu795Phe (NM_001282677.2); c.1930C>T, p.Leu644Phe (NM_001282678.2); short protein forms L852F, L644F, L795F.
Identifiers: ClinVar variation 934632 (VCV000934632.8), dbSNP rs202090176, ClinGen allele CA4341105.